The following is an entry in ClinVar:

NM_000298.6(PKLR):c.1045G>T (p.Val349Phe)

Gene: PKLR (pyruvate kinase L/R; minus strand). Cytogenetic location: 1q22.
Variant type: single nucleotide variant.
Coding change: c.1045G>T on transcript NM_000298.6 (MANE Select); coding-DNA position 1045, G replaced by T.
Protein change: p.Val349Phe; replaces valine 349 with phenylalanine.
Molecular consequence: missense variant.
Genome position (GRCh38, 1-based): chr1:155,294,306, C>A on the plus strand (G>T on the coding strand, the complement: PKLR is on the minus strand). VCF-style: chr1-155294306-C-A. GRCh37 (hg19) VCF-style: chr1-155264097-C-A.
Other names: c.952G>T, p.Val318Phe (NM_181871.4); short protein forms V318F, V349F.
Identifiers: ClinVar variation 2639401 (VCV002639401.24), dbSNP rs1647414487, ClinGen allele CA342753423.

ClinVar aggregate classification (germline): Uncertain significance (1 of 4 stars; one submission).

Submission:

CeGaT Center for Human Genetics Tuebingen
Classification: Uncertain significance. Last evaluated: 2022-07-01. Review status: criteria provided, single submitter. Criteria: CeGaT Center For Human Genetics Tuebingen Variant Classification Criteria Version 2. Collection method: clinical testing. Allele origin: germline. Affected: yes. Observed: 1 variant allele.
Comment: PKLR: PM2